The following is an entry in ClinVar:

ClinVar aggregate classification (germline): Pathogenic. Review status: criteria provided, multiple submitters, no conflicts (2 of 4 stars). 2 submissions from 2 submitters: Pathogenic (2). Last evaluated 2022-04-07.

Conditions:
Duchenne muscular dystrophy (DMD). Also called: MUSCULAR DYSTROPHY, PSEUDOHYPERTROPHIC PROGRESSIVE, DUCHENNE TYPE; Duchenne Muscular Dystrophy (DMD). Identifiers: Orphanet 98896, MedGen C0013264, MONDO:0010679, OMIM 310200.

Submissions (2):

Labcorp Genetics (formerly Invitae), Labcorp
Classification: Pathogenic for Duchenne muscular dystrophy. Last evaluated: 2022-04-07. Review status: criteria provided, single submitter. Criteria: Invitae Variant Classification Sherloc (09022015). Collection method: clinical testing. Allele origin: germline.
Comment: This sequence change creates a premature translational stop signal (p.Glu659*) in the DMD gene. It is expected to result in an absent or disrupted protein product. Loss-of-function variants in DMD are known to be pathogenic (PMID: 16770791, 25007885). This variant is not present in population databases (gnomAD no frequency). This variant has not been reported in the literature in individuals affected with DMD-related conditions. For these reasons, this variant has been classified as Pathogenic.

Kariminejad - Najmabadi Pathology & Genetics Center
Classification: Pathogenic for Duchenne muscular dystrophy. Last evaluated: 2020-12-18. Review status: criteria provided, single submitter. Criteria: ACMG Guidelines, 2015. Collection method: clinical testing. Allele origin: germline. Inheritance: X-linked inheritance. Affected: yes.
Comment: (PVS1,PM2,PP3)

Literature cited by the submitters: PubMed 16770791 (cited by Labcorp Genetics (formerly Invitae), Labcorp); PubMed 25007885 (cited by Labcorp Genetics (formerly Invitae), Labcorp).

NM_004006.3(DMD):c.1975G>T (p.Glu659Ter)

Gene: DMD (dystrophin; minus strand). Cytogenetic location: Xp21.1.
Variant type: single nucleotide variant.
Coding change: c.1975G>T on transcript NM_004006.3 (MANE Select); coding-DNA position 1975, G replaced by T.
Protein change: p.Glu659Ter; replaces glutamic acid 659 with a stop codon.
Molecular consequence: nonsense.
Genome position (GRCh38, 1-based): chrX:32,565,719, C>A on the plus strand (G>T on the coding strand, the complement: DMD is on the minus strand). VCF-style: chrX-32565719-C-A. GRCh37 (hg19) VCF-style: chrX-32583836-C-A.
Other names: c.1951G>T, p.Glu651Ter (NM_000109.4); c.1963G>T, p.Glu655Ter (NM_004009.3); c.1606G>T, p.Glu536Ter (NM_004010.3); short protein forms E651*, E659*, E536*, E655*.
Identifiers: ClinVar variation 2122812 (VCV002122812.5), dbSNP rs748567438, ClinGen allele CA412672234.